The following is an entry in ClinVar:

ClinVar aggregate classification (germline): Pathogenic. Review status: criteria provided, multiple submitters, no conflicts (2 of 4 stars). 2 submissions from 2 submitters: Pathogenic (2). Last evaluated 2021-05-05.

Conditions:
Waardenburg syndrome type 2E (WS2E). Also called: WAARDENBURG SYNDROME, TYPE 2E, WITH OR WITHOUT NEUROLOGIC INVOLVEMENT; WS2E, WITH OR WITHOUT NEUROLOGIC INVOLVEMENT; HYPOGONADOTROPIC HYPOGONADISM WITH ANOSMIA AND DEAFNESS, WITH OR WITHOUT HYPOPIGMENTATION. Identifiers: Orphanet 3440, MedGen C2700405, MONDO:0012698, OMIM 611584.

Submissions (2):

Labcorp Genetics (formerly Invitae), Labcorp
Classification: Pathogenic. Last evaluated: 2021-05-05. Review status: criteria provided, single submitter. Criteria: Invitae Variant Classification Sherloc (09022015). Collection method: clinical testing. Allele origin: germline.
Comment: For these reasons, this variant has been classified as Pathogenic. This variant disrupts the C-terminus of the SOX10 protein. Other variant(s) that disrupt this region (p.Gln399Valfs*2) have been determined to be pathogenic (PMID: 23237859). This suggests that variants that disrupt this region of the protein are likely to be causative of disease. This variant has been observed in individual(s) with SOX10-related conditions (PMID: 28000701, 31427586). ClinVar contains an entry for this variant (Variation ID: 995940). This variant is not present in population databases (ExAC no frequency). This sequence change creates a premature translational stop signal (p.Gln399*) in the SOX10 gene. While this is not anticipated to result in nonsense mediated decay, it is expected to disrupt the last 68 amino acid(s) of the SOX10 protein.

Genetic Testing Center for Deafness, Department of Otolaryngology Head & Neck Surgery, Institute of Otolaryngology, Chinese PLA General Hospital
Classification: Pathogenic for Waardenburg syndrome type 2E. Last evaluated: 2019-01-01. Review status: criteria provided, single submitter. Criteria: ACMG Guidelines, 2015. Collection method: clinical testing. Allele origin: de novo. Affected: yes.

Literature cited by the submitters: PubMed 23237859 (cited by Labcorp Genetics (formerly Invitae), Labcorp); PubMed 28000701 (cited by Labcorp Genetics (formerly Invitae), Labcorp); PubMed 31427586 (cited by Labcorp Genetics (formerly Invitae), Labcorp).

NM_006941.4(SOX10):c.1195C>T (p.Gln399Ter)

Genes: POLR2F (RNA polymerase II, I and III subunit F; plus strand), SOX10 (SRY-box transcription factor 10; minus strand). Cytogenetic location: 22q13.1.
Variant type: single nucleotide variant.
Coding change: c.1195C>T on transcript NM_006941.4 (MANE Select); coding-DNA position 1195, C replaced by T.
Protein change: p.Gln399Ter; replaces glutamine 399 with a stop codon.
Molecular consequence: nonsense. On other transcripts: intron variant (3).
Genome position (GRCh38, 1-based): chr22:37,973,701, G>A on the plus strand (C>T on the coding strand, the complement: SOX10 is on the minus strand). VCF-style: chr22-37973701-G-A. GRCh37 (hg19) VCF-style: chr22-38369708-G-A.
Other names: c.*38+1391G>A (NM_001363825.1); c.293+6531G>A (NM_001301130.2, NM_001301131.2); short protein forms Q399*.
Identifiers: ClinVar variation 995940 (VCV000995940.9), dbSNP rs1932130190, ClinGen allele CA411490039.